The following is an entry in ClinVar:

NM_000138.5(FBN1):c.7630A>G (p.Thr2544Ala)

Gene: FBN1 (fibrillin 1; minus strand). Cytogenetic location: 15q21.1.
Variant type: single nucleotide variant.
Coding change: c.7630A>G on transcript NM_000138.5 (MANE Select); coding-DNA position 7630, A replaced by G.
Protein change: p.Thr2544Ala; replaces threonine 2544 with alanine.
Molecular consequence: missense variant.
Genome position (GRCh38, 1-based): chr15:48,421,627, T>C on the plus strand (A>G on the coding strand, the complement: FBN1 is on the minus strand). VCF-style: chr15-48421627-T-C. GRCh37 (hg19) VCF-style: chr15-48713824-T-C.
Other names: c.7630A>G, p.Thr2544Ala (NM_001406716.1); short protein forms T2544A.
Identifiers: ClinVar variation 3073132 (VCV003073132.3), dbSNP rs2042942666, ClinGen allele CA392325202.

ClinVar aggregate classification (germline): Uncertain significance. Review status: criteria provided, multiple submitters, no conflicts (2 of 4 stars). 3 submissions from 3 submitters: Uncertain significance (3). Last evaluated 2025-11-24.

Conditions:
Familial thoracic aortic aneurysm and aortic dissection (TAAD). Also called: Thoracic aortic aneurysms and dissections. Identifiers: Orphanet 91387, MedGen C4707243, MONDO:0019625.
Marfan syndrome (MFS). Also called: MARFAN SYNDROME, TYPE I; Marfan syndrome type 1; Marfan's syndrome; Marfan syndrome, classic; FBN1-Related Marfan Syndrome. Identifiers: Orphanet 284963, Orphanet 558, MedGen C0024796, MONDO:0007947, OMIM 154700.

Allele frequency attached by ClinVar (database versions not stated): TOPMed below 0.00001.

Submissions (3):

Color Diagnostics, LLC DBA Color Health
Classification: Uncertain significance for Familial thoracic aortic aneurysm and aortic dissection. Last evaluated: 2025-11-24. Review status: criteria provided, single submitter. Criteria: ACMG Guidelines, 2015. Collection method: clinical testing. Allele origin: germline.
Comment: This missense variant replaces threonine with alanine at codon 2544 of the FBN1 protein. Computational prediction suggests that this variant may have deleterious impact on protein structure and function. To our knowledge, functional studies have not been reported for this variant. This variant has not been reported in individuals affected with FBN1-related disorders in the literature. This variant has not been identified in the general population by the Genome Aggregation Database (gnomAD). The available evidence is insufficient to determine the role of this variant in disease conclusively. Therefore, this variant is classified as a Variant of Uncertain Significance.

Ambry Genetics
Classification: Uncertain significance for Familial thoracic aortic aneurysm and aortic dissection. Last evaluated: 2024-03-14. Review status: criteria provided, single submitter. Criteria: Ambry Variant Classification Scheme 2023. Collection method: clinical testing. Allele origin: germline.
Comment: The p.T2544A variant (also known as c.7630A>G), located in coding exon 61 of the FBN1 gene, results from an A to G substitution at nucleotide position 7630. The threonine at codon 2544 is replaced by alanine, an amino acid with similar properties. This amino acid position is well conserved in available vertebrate species. In addition, this alteration is predicted to be deleterious by in silico analysis. Based on the available evidence, the clinical significance of this alteration remains unclear.

All of Us Research Program, National Institutes of Health
Classification: Uncertain significance for Marfan syndrome. Last evaluated: 2023-08-23. Review status: criteria provided, single submitter. Criteria: ACMG Guidelines, 2015. Collection method: clinical testing. Allele origin: germline. Inheritance: Autosomal dominant inheritance. Observed: 1 variant allele, 1 heterozygote.
Comment: This missense variant replaces threonine with alanine at codon 2544 of the FBN1 protein. Computational prediction suggests that this variant may have deleterious impact on protein structure and function (internally defined REVEL score threshold >= 0.7, PMID: 27666373). To our knowledge, functional studies have not been reported for this variant. This variant has not been reported in individuals affected with FBN1-related disorders in the literature. This variant has not been identified in the general population by the Genome Aggregation Database (gnomAD). The available evidence is insufficient to determine the role of this variant in disease conclusively. Therefore, this variant is classified as a Variant of Uncertain Significance.

This study involves interpretation of variants in research participants for the purpose of population health screening. Participant phenotype was not available at the time of variant classification. Additional details can be found in publication PMID: 35346344, PMCID: PMC8962531